The following is an entry in ClinVar:

NM_000238.4(KCNH2):c.1097G>A (p.Arg366Gln)

Gene: KCNH2 (potassium voltage-gated channel subfamily H member 2; minus strand). Cytogenetic location: 7q36.1.
Variant type: single nucleotide variant.
Coding change: c.1097G>A on transcript NM_000238.4 (MANE Select); coding-DNA position 1097, G replaced by A.
Protein change: p.Arg366Gln; replaces arginine 366 with glutamine.
Molecular consequence: missense variant.
Genome position (GRCh38, 1-based): chr7:150,957,322, C>T on the plus strand (G>A on the coding strand, the complement: KCNH2 is on the minus strand). VCF-style: chr7-150957322-C-T. GRCh37 (hg19) VCF-style: chr7-150654410-C-T.
Other names: c.809G>A, p.Arg270Gln (NM_001406753.1, NM_001406756.1); c.920G>A, p.Arg307Gln (NM_001406755.1); c.797G>A, p.Arg266Gln (NM_001406757.1); c.1097G>A, p.Arg366Gln (NM_172056.3); short protein forms R366Q, R270Q, R307Q, R266Q.
Identifiers: ClinVar variation 918732 (VCV000918732.14), dbSNP rs1372751640, ClinGen allele CA369861473.

ClinVar aggregate classification (germline): Uncertain significance. Review status: criteria provided, multiple submitters, no conflicts (2 of 4 stars). 3 submissions from 3 submitters: Uncertain significance (3). Last evaluated 2026-02-02.

Conditions:
Long QT syndrome (LQTS). Identifiers: MedGen C0023976, MeSH D008133, MONDO:0002442. Disease mechanism: loss of function. Inheritance: Various modes of inheritance.
Cardiac arrhythmia. Also called: Cardiac rhythm disease; Arrhythmia. Identifiers: MedGen C0003811, MONDO:0007263, HP:0011675.

Allele frequency attached by ClinVar (database versions not stated): gnomAD exomes below 0.00001.
gnomAD v4.1: 8 of 1,597,156 alleles (0.0005%); highest among the groups gnomAD compares: East Asian, 0.0023%; no homozygotes.

Submissions (3):

Labcorp Genetics (formerly Invitae), Labcorp
Classification: Uncertain significance for Long QT syndrome. Last evaluated: 2026-02-02. Review status: criteria provided, single submitter. Criteria: Invitae Variant Classification Sherloc (09022015). Collection method: clinical testing. Allele origin: germline.
Comment: This sequence change replaces arginine, which is basic and polar, with glutamine, which is neutral and polar, at codon 366 of the KCNH2 protein (p.Arg366Gln). The frequency data for this variant in the population databases is considered unreliable, as metrics indicate poor data quality at this position in the gnomAD database. This variant has not been reported in the literature in individuals affected with KCNH2-related conditions. ClinVar contains an entry for this variant (Variation ID: 918732). An algorithm developed to predict the effect of missense changes on protein structure and function (PolyPhen-2) suggests that this variant is likely to be disruptive. In summary, the available evidence is currently insufficient to determine the role of this variant in disease. Therefore, it has been classified as a Variant of Uncertain Significance.

GeneDx
Classification: Uncertain significance. Last evaluated: 2025-07-15. Review status: criteria provided, single submitter. Criteria: GeneDx Variant Classification Process June 2021. Collection method: clinical testing. Allele origin: germline. Affected: yes.
Comment: Has not been previously published as pathogenic or benign to our knowledge; In silico analysis supports that this missense variant has a deleterious effect on protein structure/function; Not observed at significant frequency in large population cohorts (gnomAD)

Color Diagnostics, LLC DBA Color Health
Classification: Uncertain significance for Cardiac arrhythmia. Last evaluated: 2019-10-18. Review status: criteria provided, single submitter. Criteria: ACMG Guidelines, 2015. Collection method: clinical testing. Allele origin: germline.
Comment: This missense variant replaces arginine with glutamine at codon 366 of the KCNH2 protein. Computational prediction suggests that this variant may have deleterious impact on protein structure and function (internally defined REVEL score threshold >= 0.7, PMID: 27666373). Splice site prediction tools suggest that this variant may not impact RNA splicing. To our knowledge, functional studies have not been performed for this variant. This variant has not been reported in individuals affected with cardiovascular disorders in the literature. This variant has not been identified in the general population by the Genome Aggregation Database (gnomAD). The available evidence is insufficient to determine the role of this variant in disease conclusively. Therefore, this variant is classified as a Variant of Uncertain Significance.